The following is an entry in ClinVar:

ClinVar aggregate classification (germline): Uncertain significance (1 of 4 stars; one submission).

Allele frequency attached by ClinVar (database versions not stated): gnomAD 0.00003 and 0.00007; ExAC 0.00013; 1000 Genomes Project 0.00020; 1000 Genomes Project 30x 0.00031.
gnomAD v4.1: 202 of 1,612,734 alleles (0.013%); highest among the groups gnomAD compares: East Asian, 0.44%; 1 homozygote.

Submission:

Labcorp Genetics (formerly Invitae), Labcorp
Classification: Uncertain significance. Last evaluated: 2024-08-12. Review status: criteria provided, single submitter. Criteria: Invitae Variant Classification Sherloc (09022015). Collection method: clinical testing. Allele origin: germline.
Comment: This sequence change replaces asparagine, which is neutral and polar, with threonine, which is neutral and polar, at codon 800 of the FCHO1 protein (p.Asn800Thr). This variant is present in population databases (rs200974277, gnomAD 0.2%). This variant has not been reported in the literature in individuals affected with FCHO1-related conditions. ClinVar contains an entry for this variant (Variation ID: 1427105). An algorithm developed to predict the effect of missense changes on protein structure and function (PolyPhen-2) suggests that this variant¬†is likely to be tolerated. In summary, the available evidence is currently insufficient to determine the role of this variant in disease. Therefore, it has been classified as a Variant of Uncertain Significance.

NM_015122.3(FCHO1):c.2399A>C (p.Asn800Thr)

Gene: FCHO1 (FCH and mu domain containing endocytic adaptor 1; plus strand). Cytogenetic location: 19p13.11.
Variant type: single nucleotide variant.
Coding change: c.2399A>C on transcript NM_015122.3 (MANE Select); coding-DNA position 2399, A replaced by C.
Protein change: p.Asn800Thr; replaces asparagine 800 with threonine.
Molecular consequence: missense variant. On other transcripts: non-coding transcript variant (35), intron variant (5).
Genome position (GRCh38, 1-based): chr19:17,784,897, A>C. VCF-style: chr19-17784897-A-C. GRCh37 (hg19) VCF-style: chr19-17895706-A-C.
Other names: c.2399A>C, p.Asn800Thr (NM_001384374.1, NM_001384375.1, NM_001384378.1 and 11 more transcripts); c.2249A>C, p.Asn750Thr (NM_001384384.1, NM_001384385.1, NM_001384386.1 and 1 more transcripts); c.2123A>C, p.Asn708Thr (NM_001384396.1, NM_001384397.1, NM_001384398.1 and 4 more transcripts); c.2378A>C, p.Asn793Thr (NM_001384387.1); c.2360A>C, p.Asn787Thr (NM_001384388.1, NM_001384389.1); c.2324A>C, p.Asn775Thr (NM_001384390.1); c.2282A>C, p.Asn761Thr (NM_001384392.1, NM_001384393.1, NM_001384394.1 and 1 more transcripts); c.2078A>C, p.Asn693Thr (NM_001384403.1); and 5 more; short protein forms N693T, N800T, N750T, N708T, N787T, N793T, N761T, N775T.
Identifiers: ClinVar variation 1427105 (VCV001427105.7), dbSNP rs200974277, ClinGen allele CA9300855.